The following is an entry in ClinVar:

ClinVar aggregate classification (germline): Likely benign. Review status: criteria provided, multiple submitters, no conflicts (2 of 4 stars). 3 submissions from 3 submitters: Likely benign (3). Last evaluated 2025-04-29.

Conditions:
RASopathy. Also called: Noonan spectrum disorder; rasopathies. Identifiers: Orphanet 536391, MedGen C5555857, MONDO:0021060.

Submissions (3):

Women's Health and Genetics/Laboratory Corporation of America, LabCorp
Classification: Likely benign. Last evaluated: 2025-04-29. Review status: criteria provided, single submitter. Criteria: LabCorp Variant Classification Summary - May 2015. Collection method: clinical testing. Allele origin: germline.
Comment: Variant summary: SOS1 c.2791+7_2791+10delATTT alters a conserved nucleotide located at a position not widely known to affect splicing. Consensus agreement among computation tools predict no significant impact on normal splicing. However, these predictions have yet to be confirmed by functional studies. The variant allele was found at a frequency of 1.2e-05 in 250198 control chromosomes. The available data on variant occurrences in the general population are insufficient to allow any conclusion about variant significance. To our knowledge, no occurrence of c.2791+7_2791+10delATTT in individuals affected with Noonan Syndrome And Related Conditions and no experimental evidence demonstrating its impact on protein function have been reported. ClinVar contains an entry for this variant (Variation ID: 416922). Based on the evidence outlined above, the variant was classified as likely benign.

Labcorp Genetics (formerly Invitae), Labcorp
Classification: Likely benign for RASopathy. Last evaluated: 2024-09-11. Review status: criteria provided, single submitter. Criteria: Invitae Variant Classification Sherloc (09022015). Collection method: clinical testing. Allele origin: germline.

Blueprint Genetics
Classification: Likely benign. Last evaluated: 2020-12-18. Review status: criteria provided, single submitter. Criteria: ACMG Guidelines, 2015. Collection method: clinical testing. Allele origin: germline.

NM_005633.4(SOS1):c.2791+7_2791+10del

Gene: SOS1 (SOS Ras/Rac guanine nucleotide exchange factor 1; minus strand). Cytogenetic location: 2p22.1.
Variant type: Deletion.
Coding change: c.2791+7_2791+10del on transcript NM_005633.4 (MANE Select); bases 7 to 10 of the intron after coding-DNA position 2791, 4 bases deleted (ATTT; older notation c.2791+7_2791+10delATTT).
Molecular consequence: intron variant.
Genome position (GRCh38, 1-based): chr2:39,006,402-39,006,405, AAAT deleted on the plus strand (ATTT on the coding strand, the reverse complement: SOS1 is on the minus strand); deleting any 4 consecutive bases within chr2:39,006,402-39,006,406 gives the same sequence; the c. name uses the placement nearest the transcript's 3' end. VCF-style (leftmost placement, unchanged base first): chr2-39006401-GAAAT-G. GRCh37 (hg19) VCF-style: chr2-39233542-GAAAT-G.
Other names: c.2770+7_2770+10del (NM_001382394.1); c.2791+7_2791+10del (NM_001382395.1); c.2791+7_2791+10delATTT (NM_005633.3, NM_005633.4).
Identifiers: ClinVar variation 416922 (VCV000416922.15), dbSNP rs760707217, ClinGen allele CA1624332.